The following is an entry in ClinVar:

NM_152743.4(BRAT1):c.319G>A (p.Gly107Arg)

Gene: BRAT1 (BRCA1 associated ATM activator 1; minus strand). Cytogenetic location: 7p22.3.
Variant type: single nucleotide variant.
Coding change: c.319G>A on transcript NM_152743.4 (MANE Select); coding-DNA position 319, G replaced by A.
Protein change: p.Gly107Arg; replaces glycine 107 with arginine.
Molecular consequence: missense variant. On other transcripts: non-coding transcript variant (1), intron variant (1).
Genome position (GRCh38, 1-based): chr7:2,545,020, C>T on the plus strand (G>A on the coding strand, the complement: BRAT1 is on the minus strand). VCF-style: chr7-2545020-C-T. GRCh37 (hg19) VCF-style: chr7-2584654-C-T.
Other names: c.319G>A, p.Gly107Arg (NM_001350626.2); c.-95-1058G>A (NM_001350627.2); short protein forms G107R.
Identifiers: ClinVar variation 580319 (VCV000580319.10), dbSNP rs749992319, ClinGen allele CA4128240.

ClinVar aggregate classification (germline): Uncertain significance. Review status: criteria provided, multiple submitters, no conflicts (2 of 4 stars). 3 submissions from 3 submitters: Uncertain significance (3). Last evaluated 2022-12-06.

Conditions:
Neonatal-onset encephalopathy with rigidity and seizures. Also called: Lethal neonatal spasticity-epileptic encephalopathy syndrome. Identifiers: Orphanet 435845, MedGen C3281029, MONDO:0013784, OMIM 614498.
Inborn genetic diseases. Identifiers: MedGen C0950123, MeSH D030342.

Allele frequency attached by ClinVar (database versions not stated): gnomAD 0.00003 and 0.00004; ExAC 0.00007; gnomAD exomes 0.00013 and 0.00001; TOPMed 0.00003.

Submissions (3):

Ambry Genetics
Classification: Uncertain significance for Inborn genetic diseases. Last evaluated: 2022-12-06. Review status: criteria provided, single submitter. Criteria: Ambry Variant Classification Scheme 2023. Collection method: clinical testing. Allele origin: germline.

Labcorp Genetics (formerly Invitae), Labcorp
Classification: Uncertain significance for Neonatal-onset encephalopathy with rigidity and seizures. Last evaluated: 2022-03-01. Review status: criteria provided, single submitter. Criteria: Invitae Variant Classification Sherloc (09022015). Collection method: clinical testing. Allele origin: germline.
Comment: This sequence change replaces glycine, which is neutral and non-polar, with arginine, which is basic and polar, at codon 107 of the BRAT1 protein (p.Gly107Arg). The frequency data for this variant in the population databases is considered unreliable, as metrics indicate poor data quality at this position in the gnomAD database. This variant has not been reported in the literature in individuals affected with BRAT1-related conditions. ClinVar contains an entry for this variant (Variation ID: 580319). Algorithms developed to predict the effect of missense changes on protein structure and function (SIFT, PolyPhen-2, Align-GVGD) all suggest that this variant is likely to be tolerated. In summary, the available evidence is currently insufficient to determine the role of this variant in disease. Therefore, it has been classified as a Variant of Uncertain Significance.

CENTOGENE GmbH and LLC - Guiding Precision Medicine
Classification: Uncertain significance for Neonatal-onset encephalopathy with rigidity and seizures. Last evaluated: 2018-01-08. Review status: criteria provided, single submitter. Criteria: ACMG Guidelines, 2015. Collection method: clinical testing. Allele origin: germline.